The following is an entry in ClinVar:

NM_004655.4(AXIN2):c.48C>A (p.Ser16Arg)

Gene: AXIN2 (axin 2; minus strand). Cytogenetic location: 17q24.1.
Variant type: single nucleotide variant.
Coding change: c.48C>A on transcript NM_004655.4 (MANE Select); coding-DNA position 48, C replaced by A.
Protein change: p.Ser16Arg; replaces serine 16 with arginine.
Molecular consequence: missense variant.
Genome position (GRCh38, 1-based): chr17:65,558,573, G>T on the plus strand (C>A on the coding strand, the complement: AXIN2 is on the minus strand). VCF-style: chr17-65558573-G-T. GRCh37 (hg19) VCF-style: chr17-63554691-G-T.
Other names: c.48C>A, p.Ser16Arg (NM_001363813.1); short protein forms S16R.
Identifiers: ClinVar variation 4619777 (VCV004619777.1).

ClinVar aggregate classification (germline): Uncertain significance (1 of 4 stars; one submission).

Conditions:
Hereditary cancer-predisposing syndrome. Also called: Neoplastic Syndromes, Hereditary; Tumor predisposition; Hereditary Cancer Syndrome; Hereditary neoplastic syndrome. Identifiers: Orphanet 140162, MedGen C0027672, MeSH D009386, MONDO:0015356.

Submission:

Ambry Genetics
Classification: Uncertain significance for Hereditary cancer-predisposing syndrome. Last evaluated: 2025-11-17. Review status: criteria provided, single submitter. Criteria: Ambry Variant Classification Scheme 2023. Collection method: clinical testing. Allele origin: germline.
Comment: The p.S16R variant (also known as c.48C>A), located in coding exon 1 of the AXIN2 gene, results from a C to A substitution at nucleotide position 48. The serine at codon 16 is replaced by arginine, an amino acid with dissimilar properties. This amino acid position is conserved. In addition, the in silico prediction for this alteration is inconclusive. Based on the available evidence, the clinical significance of this variant remains unclear.